The following is an entry in ClinVar:

ClinVar aggregate classification (germline): Uncertain significance (1 of 4 stars; one submission).

Submission:

CeGaT Center for Human Genetics Tuebingen
Classification: Uncertain significance. Last evaluated: 2023-08-01. Review status: criteria provided, single submitter. Criteria: CeGaT Center For Human Genetics Tuebingen Variant Classification Criteria Version 2. Collection method: clinical testing. Allele origin: germline. Affected: yes. Observed: 1 variant allele.
Comment: KIAA1549: PM2, PM3:Supporting, BP4

NM_001164665.2(KIAA1549):c.676G>C (p.Ala226Pro)

Gene: KIAA1549 (KIAA1549; minus strand). Cytogenetic location: 7q34.
Variant type: single nucleotide variant.
Coding change: c.676G>C on transcript NM_001164665.2 (MANE Select); coding-DNA position 676, G replaced by C.
Protein change: p.Ala226Pro; replaces alanine 226 with proline.
Molecular consequence: missense variant.
Genome position (GRCh38, 1-based): chr7:138,918,950, C>G on the plus strand (G>C on the coding strand, the complement: KIAA1549 is on the minus strand). VCF-style: chr7-138918950-C-G. GRCh37 (hg19) VCF-style: chr7-138603696-C-G.
Other names: c.676G>C, p.Ala226Pro (NM_020910.3); short protein forms A226P.
Identifiers: ClinVar variation 2658013 (VCV002658013.24), dbSNP rs202110418, ClinGen allele CA4506894.